The following is an entry in ClinVar:

NM_000551.4(VHL):c.259G>C (p.Val87Leu)

Gene: VHL (von Hippel-Lindau tumor suppressor; plus strand). Cytogenetic location: 3p25.3.
Variant type: single nucleotide variant.
Coding change: c.259G>C on transcript NM_000551.4 (MANE Select); coding-DNA position 259, G replaced by C.
Protein change: p.Val87Leu; replaces valine 87 with leucine.
Molecular consequence: missense variant. On other transcripts: non-coding transcript variant (1).
Genome position (GRCh38, 1-based): chr3:10,142,106, G>C. VCF-style: chr3-10142106-G-C. GRCh37 (hg19) VCF-style: chr3-10183790-G-C.
Other names: c.259G>C, p.Val87Leu (NM_001354723.2, NM_198156.3); short protein forms V87L.
Identifiers: ClinVar variation 4756726 (VCV004756726.1).

ClinVar aggregate classification (germline): Uncertain significance (1 of 4 stars; one submission).

Conditions:
Von Hippel-Lindau syndrome (VHLS). Also called: von Hippel–Lindau syndrome; VHL syndrome; Von Hippel-Lindau. Identifiers: Orphanet 892, MedGen C0019562, MONDO:0008667, OMIM 193300. Disease mechanism: loss of function.

Submission:

Color Diagnostics, LLC DBA Color Health
Classification: Uncertain significance for Von Hippel-Lindau syndrome. Last evaluated: 2025-05-14. Review status: criteria provided, single submitter. Criteria: ACMG Guidelines, 2015. Collection method: clinical testing. Allele origin: germline.
Comment: This missense variant replaces valine with leucine at codon 87 of the VHL protein. Computational prediction suggests that this variant may not impact protein structure and function. This variant has been reported to not impact VHL function in a haploid cell proliferation assay (PMID: 38969834). This variant has not been reported in individuals affected with VHL-related disorders in the literature. This variant has not been identified in the general population by the Genome Aggregation Database (gnomAD). Although there is a suspicion that this variant may not be associated with disease, additional clinical studies are necessary to determine the role of this variant in disease conclusively. Therefore, this variant is classified as a Variant of Uncertain Significance.

Literature cited by the submitters: PubMed 38969834.